The following is an entry in ClinVar:

NM_130384.3(ATRIP):c.581T>C (p.Phe194Ser)

Genes: ATRIP (ATR interacting protein; plus strand), ATRIP-TREX1 (ATRIP-TREX1 readthrough; plus strand). Cytogenetic location: 3p21.31.
Variant type: single nucleotide variant.
Coding change: c.581T>C on transcript NM_130384.3 (MANE Select); coding-DNA position 581, T replaced by C.
Protein change: p.Phe194Ser; replaces phenylalanine 194 with serine.
Molecular consequence: missense variant. On other transcripts: non-coding transcript variant (1).
Genome position (GRCh38, 1-based): chr3:48,454,328, T>C. VCF-style: chr3-48454328-T-C. GRCh37 (hg19) VCF-style: chr3-48495728-T-C.
Other names: c.200T>C, p.Phe67Ser (NM_001271022.2); c.302T>C, p.Phe101Ser (NM_001271023.2); c.581T>C, p.Phe194Ser (NM_032166.4); short protein forms F101S, F194S, F67S.
Identifiers: ClinVar variation 3809146 (VCV003809146.1).

ClinVar aggregate classification (germline): Uncertain significance (1 of 4 stars; one submission).

Submission:

Ambry Genetics
Classification: Uncertain significance. Last evaluated: 2024-12-19. Review status: criteria provided, single submitter. Criteria: Ambry Variant Classification Scheme 2023. Collection method: clinical testing. Allele origin: germline.
Comment: The p.F194S variant (also known as c.581T>C), located in coding exon 4 of the ATRIP gene, results from a T to C substitution at nucleotide position 581. The phenylalanine at codon 194 is replaced by serine, an amino acid with highly dissimilar properties. This amino acid position is conserved. In addition, this alteration is predicted to be deleterious by in silico analysis. Based on the available evidence, the clinical significance of this variant remains unclear.